The following is an entry in ClinVar:

NM_001352754.2(ARMC9):c.1898A>G (p.Lys633Arg)

Gene: ARMC9 (armadillo repeat containing 9; plus strand). Cytogenetic location: 2q37.1.
Variant type: single nucleotide variant.
Coding change: c.1898A>G on transcript NM_001352754.2 (MANE Select); coding-DNA position 1898, A replaced by G.
Protein change: p.Lys633Arg; replaces lysine 633 with arginine.
Molecular consequence: missense variant. On other transcripts: non-coding transcript variant (1).
Genome position (GRCh38, 1-based): chr2:231,344,994, A>G. VCF-style: chr2-231344994-A-G. GRCh37 (hg19) VCF-style: chr2-232209706-A-G.
Other names: c.1898A>G, p.Lys633Arg (NM_001271466.4, NM_001291656.2, NM_001352755.2 and 2 more transcripts); c.1799A>G, p.Lys600Arg (NM_001352757.2, NM_001352758.2); c.1793A>G, p.Lys598Arg (NM_001352759.2); short protein forms K633R, K598R, K600R.
Identifiers: ClinVar variation 1489222 (VCV001489222.6), dbSNP rs2125583615, ClinGen allele CA350956964.
Genomic context (GRCh38, chr2:231,344,994, plus strand): 5'-TAGATATTTCTCCAGCCCTTTTTTCTCTTTCCTTCCACCAGATCATGACCAACACGGGGA[A>G]GACAAGGCGGAAGGGGCTGGCTAATGTGCAGTGGAGCGGGGATGAGCCCCTGCAAAGGCC-3'
Protein context (NP_001339683.2, residues 623-643): EYLGIMTNTG[Lys633Arg]TRRKGLANVQ

ClinVar aggregate classification (germline): Uncertain significance (1 of 4 stars; one submission).

Allele frequency attached by ClinVar (database versions not stated): gnomAD exomes below 0.00001.
gnomAD v4.1: 1 of 1,614,070 alleles (0.000062%); highest among the groups gnomAD compares: Middle Eastern, 0.017%; no homozygotes.

Submission:

Labcorp Genetics (formerly Invitae), Labcorp
Classification: Uncertain significance. Last evaluated: 2022-03-19. Review status: criteria provided, single submitter. Criteria: Invitae Variant Classification Sherloc (09022015). Collection method: clinical testing. Allele origin: germline.
Comment: This variant is not present in population databases (gnomAD no frequency). This variant has not been reported in the literature in individuals affected with ARMC9-related conditions. Experimental studies and prediction algorithms are not available or were not evaluated, and the functional significance of this variant is currently unknown. In summary, the available evidence is currently insufficient to determine the role of this variant in disease. Therefore, it has been classified as a Variant of Uncertain Significance. This sequence change replaces lysine with arginine at codon 633 of the ARMC9 protein (p.Lys633Arg). The lysine residue is highly conserved and there is a small physicochemical difference between lysine and arginine.